The following is an entry in ClinVar:

NM_000051.4(ATM):c.2377-17G>C

Gene: ATM (ATM serine/threonine kinase; plus strand). Cytogenetic location: 11q22.3.
Variant type: single nucleotide variant.
Coding change: c.2377-17G>C on transcript NM_000051.4 (MANE Select); 17 bases into the intron before coding-DNA position 2377, G replaced by C.
Molecular consequence: intron variant.
Genome position (GRCh38, 1-based): chr11:108,258,969, G>C. VCF-style: chr11-108258969-G-C. GRCh37 (hg19) VCF-style: chr11-108129696-G-C.
Other names: c.2377-17G>C (NM_001351834.2).
Identifiers: ClinVar variation 927235 (VCV000927235.5), dbSNP rs192105604, ClinGen allele CA1139662169.

ClinVar aggregate classification (germline): Likely benign. Review status: criteria provided, multiple submitters, no conflicts (2 of 4 stars). 3 submissions from 3 submitters: Likely benign (3). Last evaluated 2025-11-02.

Conditions:
Hereditary cancer-predisposing syndrome. Also called: Tumor predisposition; Hereditary neoplastic syndrome; Neoplastic Syndromes, Hereditary; Hereditary Cancer Syndrome. Identifiers: Orphanet 140162, MedGen C0027672, MeSH D009386, MONDO:0015356.
Familial cancer of breast. Also called: BREAST CANCER, FAMILIAL; hereditary breast carcinoma; Hereditary breast cancer. Identifiers: Orphanet 227535, MedGen C0346153, MONDO:0016419, OMIM 114480. Disease mechanism: loss of function.
Ataxia-telangiectasia syndrome (AT). Also called: Ataxia-telangiectasia, complementation group D; Cerebello-oculocutaneous telangiectasia; Immunodeficiency with ataxia telangiectasia; LOUIS-BAR SYNDROME; Ataxia-telangiectasia; AT, COMPLEMENTATION GROUP C. Identifiers: Orphanet 100, MedGen C0004135, MONDO:0008840, OMIM 208900.

Allele frequency attached by ClinVar (database versions not stated): gnomAD exomes below 0.00001.
gnomAD v4.1: 1 of 1,600,604 alleles (0.000062%); highest among the groups gnomAD compares: South Asian, 0.0011%; no homozygotes.

Submissions (3):

Labcorp Genetics (formerly Invitae), Labcorp
Classification: Likely benign for Ataxia-telangiectasia syndrome. Last evaluated: 2025-11-02. Review status: criteria provided, single submitter. Criteria: Invitae Variant Classification Sherloc (09022015). Collection method: clinical testing. Allele origin: germline.

Myriad Genetics, Inc.
Classification: Likely benign for Familial cancer of breast. Last evaluated: 2024-05-08. Review status: criteria provided, single submitter. Criteria: Myriad Autosomal Dominant, Autosomal Recessive and X-Linked Classification Criteria (2023). Collection method: clinical testing. Allele origin: unknown.
Comment: This variant is considered likely benign. This variant is intronic and is not expected to impact mRNA splicing.

Color Diagnostics, LLC DBA Color Health
Classification: Likely benign for Hereditary cancer-predisposing syndrome. Last evaluated: 2019-09-27. Review status: criteria provided, single submitter. Criteria: ACMG Guidelines, 2015. Collection method: clinical testing. Allele origin: germline.